The following is an entry in ClinVar:

ClinVar aggregate classification (germline): Benign. Review status: criteria provided, multiple submitters, no conflicts (2 of 4 stars). 4 submissions from 4 submitters: Benign (4). Last evaluated 2026-02-03.

Conditions:
Progressive myoclonic epilepsy type 8. Identifiers: Orphanet 424027, MedGen C5190825, MONDO:0014545, OMIM 616230.

Allele frequency attached by ClinVar (database versions not stated): ESP Exome Variant Server 0.09277; gnomAD 0.09802 and 0.10675; TOPMed 0.09917; gnomAD exomes 0.13505 and 0.14865; ExAC 0.15681; 1000 Genomes Project 30x 0.16084; 1000 Genomes Project 0.17033.
gnomAD v4.1: 213,460 of 1,612,294 alleles (13%); highest among the groups gnomAD compares: East Asian, 35%; 16,649 homozygotes.

Submissions (4):

Labcorp Genetics (formerly Invitae), Labcorp
Classification: Benign for Progressive myoclonic epilepsy type 8. Last evaluated: 2026-02-03. Review status: criteria provided, single submitter. Criteria: Invitae Variant Classification Sherloc (09022015). Collection method: clinical testing. Allele origin: germline.

Blueprint Genetics
Classification: Benign. Last evaluated: 2024-11-28. Review status: criteria provided, single submitter. Criteria: ACMG Guidelines, 2015. Collection method: clinical testing. Allele origin: germline.

GeneDx
Classification: Benign. Last evaluated: 2013-01-09. Review status: criteria provided, single submitter. Criteria: GeneDx Variant Classification (06012015). Collection method: clinical testing. Allele origin: germline. Affected: yes.
Comment: This variant is considered likely benign or benign based on one or more of the following criteria: it is a conservative change, it occurs at a poorly conserved position in the protein, it is predicted to be benign by multiple in silico algorithms, and/or has population frequency not consistent with disease.

Breakthrough Genomics
Classification: Benign. Review status: criteria provided, single submitter. Criteria: ACMG Guidelines, 2015. Collection method: not provided. Allele origin: germline. Inheritance: Autosomal recessive inheritance. Affected: yes.

NM_001492.6(GDF1):c.-422-11C>T

Genes: GDF1 (growth differentiation factor 1; minus strand), CERS1 (ceramide synthase 1; minus strand). Cytogenetic location: 19p13.11.
Variant type: single nucleotide variant.
Coding change: c.-422-11C>T on transcript NM_001492.6 (MANE Select); 11 bases into the intron before 422 bases upstream of the start codon, C replaced by T.
Molecular consequence: intron variant.
Genome position (GRCh38, 1-based): chr19:18,879,050, G>A on the plus strand (C>T on the coding strand, the complement: GDF1 is on the minus strand). VCF-style: chr19-18879050-G-A. GRCh37 (hg19) VCF-style: chr19-18989859-G-A.
Other names: c.901-11C>T (NM_021267.5, NM_001387440.1, NM_001387439.1 and 1 more transcripts); c.607-11C>T (NM_001387443.1, NM_001387442.1, NM_001290265.2 and 2 more transcripts); c.856-11C>T (NM_001387441.1); c.-313+5037C>T (NM_001387438.1).
Identifiers: ClinVar variation 137456 (VCV000137456.14), dbSNP rs2075762, ClinGen allele CA291049.